The following is an entry in ClinVar:

NM_001127222.2(CACNA1A):c.5625+50CTT[4]

Gene: CACNA1A (calcium voltage-gated channel subunit alpha1 A; minus strand). Cytogenetic location: 19p13.13.
Variant type: Microsatellite.
Coding change: c.5625+50CTT[4] on transcript NM_001127222.2 (MANE Select); four copies in a row of the 3-base unit CTT starting at c.5625+50; the reference has five copies in a row; one copy, 3 bases deleted.
Molecular consequence: intron variant.
Genome position (GRCh38, 1-based): chr19:13,227,367-13,227,369, AAG deleted on the plus strand (CTT on the coding strand, the reverse complement: CACNA1A is on the minus strand); deleting any 3 consecutive bases within chr19:13,227,367-13,227,383 gives the same sequence; the position shown is the placement nearest the transcript's 3' end. VCF-style (leftmost placement, unchanged base first): chr19-13227366-AAAG-A. GRCh37 (hg19) VCF-style: chr19-13338180-AAAG-A.
Other names: c.5628+1318CTT[4] (NM_001127221.2); c.5634+50CTT[4] (NM_001174080.2); c.5643+50CTT[4] (NM_000068.4, NM_023035.3); c.5625+62_5625+64delCTT (NM_001127222.2).
Identifiers: ClinVar variation 1192598 (VCV001192598.5), dbSNP rs143245670, ClinGen allele CA305510042.
Genomic context (GRCh38, chr19:13,227,366, plus strand): 5'-AAAGAAGAGAAACGTTGGAAAAAGAGAGTCGGCCGGGTGTTTCTGGTCAGCACTAAAAAA[AAAG>A]AAGAAGAAGAAGAAAAAAAAACCCAGTGCCTGGACGTCGGTGGTCGGCAAGGGTAGTCTA-3'

ClinVar aggregate classification (germline): Benign. Review status: criteria provided, multiple submitters, no conflicts (2 of 4 stars). 6 submissions from 3 submitters: Benign (6). Last evaluated 2024-07-15.

Conditions:
Spinocerebellar ataxia type 6 (SCA6). Identifiers: Orphanet 98758, MedGen C0752124, MONDO:0008457, OMIM 183086.
Episodic ataxia type 2 (EA2). Also called: ACETAZOLAMIDE-RESPONSIVE HEREDITARY PAROXYSMAL CEREBELLAR ATAXIA; EPISODIC ATAXIA, NYSTAGMUS-ASSOCIATED; ATAXIA, EPISODIC, WITH NYSTAGMUS; ATAXIA, FAMILIAL PAROXYSMAL; CEREBELLAR ATAXIA, PAROXYSMAL, ACETAZOLAMIDE-RESPONSIVE; CEREBELLOPATHY, HEREDITARY PAROXYSMAL. Identifiers: Orphanet 97, MedGen C1720416, MONDO:0007163, OMIM 108500.
Migraine, familial hemiplegic, 1. Also called: MIGRAINE, FAMILIAL HEMIPLEGIC 1, WITH PROGRESSIVE CEREBELLAR ATAXIA. Identifiers: Orphanet 569, MedGen C1832884, MONDO:0020756, OMIM 141500, MONDO:0007714.
Developmental and epileptic encephalopathy, 42 (DEE42A). Also called: DEVELOPMENTAL AND EPILEPTIC ENCEPHALOPATHY 42A; EPILEPTIC ENCEPHALOPATHY, EARLY INFANTILE, 42A; Epileptic encephalopathy, early infantile, 42. Identifiers: MedGen C4310716, MONDO:0014917, OMIM 617106.

Submissions (6):

Unidad de Genómica Garrahan, Hospital de Pediatría Garrahan
Classification: Benign. Last evaluated: 2024-07-15. Review status: criteria provided, single submitter. Criteria: ACMG Guidelines, 2015. Collection method: clinical testing. Allele origin: germline. Affected: no. Observed: 87 variant alleles.
Comment: This variant is classified as Benign based on local population frequency. This variant was detected in 94% of patients studied in a panel designed for Epileptic and Developmental Encephalopathy and Progressive Myoclonus Epilepsy. Number of patients: 87. Only high quality variants are reported.

Genome-Nilou Lab
Classification: Benign for Developmental and epileptic encephalopathy, 42. Last evaluated: 2021-07-14. Review status: criteria provided, single submitter. Criteria: ACMG Guidelines, 2015. Collection method: clinical testing. Allele origin: germline. Affected: no.

Genome-Nilou Lab
Classification: Benign for Episodic ataxia type 2. Last evaluated: 2021-07-14. Review status: criteria provided, single submitter. Criteria: ACMG Guidelines, 2015. Collection method: clinical testing. Allele origin: germline. Affected: no.

Genome-Nilou Lab
Classification: Benign for Migraine, familial hemiplegic, 1. Last evaluated: 2021-07-14. Review status: criteria provided, single submitter. Criteria: ACMG Guidelines, 2015. Collection method: clinical testing. Allele origin: germline. Affected: no.

Genome-Nilou Lab
Classification: Benign for Spinocerebellar ataxia type 6. Last evaluated: 2021-07-14. Review status: criteria provided, single submitter. Criteria: ACMG Guidelines, 2015. Collection method: clinical testing. Allele origin: germline. Affected: no.

GeneDx
Classification: Benign. Last evaluated: 2019-08-10. Review status: criteria provided, single submitter. Criteria: GeneDx Variant Classification Process June 2021. Collection method: clinical testing. Allele origin: germline. Affected: yes.